The following is an entry in ClinVar:

NM_182961.4(SYNE1):c.12609G>A (p.Glu4203=)

Gene: SYNE1 (spectrin repeat containing nuclear envelope protein 1; minus strand). Cytogenetic location: 6q25.2.
Variant type: single nucleotide variant.
Coding change: c.12609G>A on transcript NM_182961.4 (MANE Select); coding-DNA position 12609, G replaced by A.
Protein change: p.Glu4203=; no amino-acid change (glutamic acid 4203 retained).
Molecular consequence: synonymous variant.
Genome position (GRCh38, 1-based): chr6:152,334,193, C>T on the plus strand (G>A on the coding strand, the complement: SYNE1 is on the minus strand). VCF-style: chr6-152334193-C-T. GRCh37 (hg19) VCF-style: chr6-152655328-C-T.
Other names: c.12396G>A, p.Glu4132= (NM_033071.5).
Identifiers: ClinVar variation 703524 (VCV000703524.15), dbSNP rs186937478, ClinGen allele CA4056349.

ClinVar aggregate classification (germline): Likely benign. Review status: criteria provided, multiple submitters, no conflicts (2 of 4 stars). 3 submissions from 3 submitters: Likely benign (2). 1 of the submissions does not count toward it. Last evaluated 2025-12-10.

Conditions:
SYNE1-related disorder. Also called: SYNE1-related disease; SYNE1-related condition; SYNE1-related disorders.
Emery-Dreifuss muscular dystrophy 4, autosomal dominant (EDMD4). Also called: EMERY-DREIFUSS MUSCULAR DYSTROPHY 4 WITH VARIABLE FEATURES. Identifiers: Orphanet 261, MedGen C2751807, MONDO:0013071, OMIM 612998.
Autosomal recessive ataxia, Beauce type. Also called: SYNE1 Deficiency; ATAXIA, RECESSIVE, OF BEAUCE; Spinocerebellar ataxia, autosomal recessive 8; SYNE1-Related Autosomal Recessive Cerebellar Ataxia. Identifiers: Orphanet 88644, MedGen C1853116, MONDO:0012549, OMIM 610743.

Allele frequency attached by ClinVar (database versions not stated): gnomAD exomes 0.00002 and 0.00004; ExAC 0.00004; gnomAD 0.00030 and 0.00031; TOPMed 0.00063; 1000 Genomes Project 0.00100; 1000 Genomes Project 30x 0.00109.
gnomAD v4.1: 87 of 1,614,110 alleles (0.0054%); highest among the groups gnomAD compares: Admixed American, 0.11%; no homozygotes.

Submissions (3):

Labcorp Genetics (formerly Invitae), Labcorp
Classification: Likely benign for Emery-Dreifuss muscular dystrophy 4, autosomal dominant; Autosomal recessive ataxia, Beauce type. Last evaluated: 2025-12-10. Review status: criteria provided, single submitter. Criteria: Invitae Variant Classification Sherloc (09022015). Collection method: clinical testing. Allele origin: germline.

Blueprint Genetics
Classification: Likely benign. Last evaluated: 2020-12-13. Review status: criteria provided, single submitter. Criteria: ACMG Guidelines, 2015. Collection method: clinical testing. Allele origin: germline.

PreventionGenetics, part of Exact Sciences
Classification: Likely benign for SYNE1-related condition. Last evaluated: 2021-09-08. Review status: no assertion criteria provided. Collection method: clinical testing. Allele origin: germline. Not counted in ClinVar's aggregate classification.
Comment: This variant is classified as likely benign based on ACMG/AMP sequence variant interpretation guidelines (Richards et al. 2015 PMID: 25741868, with internal and published modifications).